The following is an entry in ClinVar:

NM_024408.4(NOTCH2):c.4079C>T (p.Thr1360Ile)

Gene: NOTCH2 (notch receptor 2; minus strand). Cytogenetic location: 1p12.
Variant type: single nucleotide variant.
Coding change: c.4079C>T on transcript NM_024408.4 (MANE Select); coding-DNA position 4079, C replaced by T.
Protein change: p.Thr1360Ile; replaces threonine 1360 with isoleucine.
Molecular consequence: missense variant.
Genome position (GRCh38, 1-based): chr1:119,925,737, G>A on the plus strand (C>T on the coding strand, the complement: NOTCH2 is on the minus strand). VCF-style: chr1-119925737-G-A. GRCh37 (hg19) VCF-style: chr1-120468360-G-A.
Other names: short protein forms T1360I.
Identifiers: ClinVar variation 3586045 (VCV003586045.2).

ClinVar aggregate classification (germline): Uncertain significance. Review status: criteria provided, multiple submitters, no conflicts (2 of 4 stars). 2 submissions from 2 submitters: Uncertain significance (2). Last evaluated 2025-03-09.

Conditions:
Alagille syndrome due to a NOTCH2 point mutation. Also called: Alagille syndrome 2. Identifiers: Orphanet 261629, Orphanet 52, MedGen C1857761, MONDO:0012439, OMIM 610205.
Hajdu-Cheney syndrome (HJCYS). Also called: ACROOSTEOLYSIS WITH OSTEOPOROSIS AND CHANGES IN SKULL AND MANDIBLE; Acroosteolysis dominant type; SERPENTINE FIBULA-POLYCYSTIC KIDNEY SYNDROME. Identifiers: Orphanet 955, MedGen C0917715, MONDO:0007057, OMIM 102500.

gnomAD v4.1: 3 of 1,613,922 alleles (0.00019%); highest among the groups gnomAD compares: African/African-American, 0.0027%; no homozygotes.

Submissions (2):

Labcorp Genetics (formerly Invitae), Labcorp
Classification: Uncertain significance for Hajdu-Cheney syndrome. Last evaluated: 2025-03-09. Review status: criteria provided, single submitter. Criteria: Invitae Variant Classification Sherloc (09022015). Collection method: clinical testing. Allele origin: germline.
Comment: This sequence change replaces threonine, which is neutral and polar, with isoleucine, which is neutral and non-polar, at codon 1360 of the NOTCH2 protein (p.Thr1360Ile). This variant is not present in population databases (gnomAD no frequency). This variant has not been reported in the literature in individuals affected with NOTCH2-related conditions. ClinVar contains an entry for this variant (Variation ID: 3586045). Invitae Evidence Modeling of protein sequence and biophysical properties (such as structural, functional, and spatial information, amino acid conservation, physicochemical variation, residue mobility, and thermodynamic stability) indicates that this missense variant is not expected to disrupt NOTCH2 protein function with a negative predictive value of 80%. In summary, the available evidence is currently insufficient to determine the role of this variant in disease. Therefore, it has been classified as a Variant of Uncertain Significance.

Fulgent Genetics
Classification: Uncertain significance for Hajdu-Cheney syndrome; Alagille syndrome due to a NOTCH2 point mutation. Last evaluated: 2024-03-06. Review status: criteria provided, single submitter. Criteria: ACMG Guidelines, 2015. Collection method: clinical testing. Allele origin: germline.